The following is an entry in ClinVar:

NM_000551.4(VHL):c.143T>A (p.Leu48Gln)

Gene: VHL (von Hippel-Lindau tumor suppressor; plus strand). Cytogenetic location: 3p25.3.
Variant type: single nucleotide variant.
Coding change: c.143T>A on transcript NM_000551.4 (MANE Select); coding-DNA position 143, T replaced by A.
Protein change: p.Leu48Gln; replaces leucine 48 with glutamine.
Molecular consequence: missense variant.
Genome position (GRCh38, 1-based): chr3:10,141,990, T>A. VCF-style: chr3-10141990-T-A. GRCh37 (hg19) VCF-style: chr3-10183674-T-A.
Other names: c.143T>A (NM_000551.3); c.143T>A, p.Leu48Gln (NM_001354723.2, NM_198156.3); short protein forms L48Q.
Identifiers: ClinVar variation 1371900 (VCV001371900.8), dbSNP rs199959170, ClinGen allele CA351748198.

ClinVar aggregate classification (germline): Conflicting classifications of pathogenicity. Review status: criteria provided, conflicting classifications (1 of 4 stars). 3 submissions from 3 submitters: Uncertain significance (2); Benign (1). Last evaluated 2025-09-19.

Conditions:
Hereditary cancer-predisposing syndrome. Also called: Hereditary neoplastic syndrome; Hereditary Cancer Syndrome; Neoplastic Syndromes, Hereditary; Tumor predisposition. Identifiers: Orphanet 140162, MedGen C0027672, MeSH D009386, MONDO:0015356.
Von Hippel-Lindau syndrome (VHLS). Also called: Von Hippel-Lindau; von Hippel–Lindau syndrome; VHL syndrome. Identifiers: Orphanet 892, MedGen C0019562, MONDO:0008667, OMIM 193300. Disease mechanism: loss of function.
Chuvash polycythemia. Also called: POLYCYTHEMIA, VHL-DEPENDENT. Identifiers: Orphanet 238557, MedGen C1837915, MONDO:0009892, OMIM 263400.

Submissions (3):

Color Diagnostics, LLC DBA Color Health
Classification: Uncertain significance for Von Hippel-Lindau syndrome. Last evaluated: 2025-09-19. Review status: criteria provided, single submitter. Criteria: ACMG Guidelines, 2015. Collection method: clinical testing. Allele origin: germline.
Comment: This missense variant replaces leucine with glutamine at codon 48 of the VHL protein. Computational prediction suggests that this variant may not impact protein structure and function. A functional study has reported that this variant does not impact VHL in a haploid cell proliferation assay (PMID: 38969834). To our knowledge, this variant has not been reported in individuals affected with VHL-related disorders in the literature. This variant has not been identified in the general population by the Genome Aggregation Database (gnomAD). The available evidence is insufficient to determine the role of this variant in disease conclusively. Therefore, this variant is classified as a Variant of Uncertain Significance.

Ambry Genetics
Classification: Benign for Hereditary cancer-predisposing syndrome. Last evaluated: 2025-07-08. Review status: criteria provided, single submitter. Criteria: Ambry Variant Classification Scheme 2023. Collection method: clinical testing. Allele origin: germline.

Labcorp Genetics (formerly Invitae), Labcorp
Classification: Uncertain significance for Von Hippel-Lindau syndrome; Chuvash polycythemia. Last evaluated: 2021-09-29. Review status: criteria provided, single submitter. Criteria: Invitae Variant Classification Sherloc (09022015). Collection method: clinical testing. Allele origin: germline.
Comment: In summary, the available evidence is currently insufficient to determine the role of this variant in disease. Therefore, it has been classified as a Variant of Uncertain Significance. Advanced modeling of protein sequence and biophysical properties (such as structural, functional, and spatial information, amino acid conservation, physicochemical variation, residue mobility, and thermodynamic stability) performed at Invitae indicates that this missense variant is not expected to disrupt VHL protein function. This variant has not been reported in the literature in individuals affected with VHL-related conditions. The frequency data for this variant in the population databases is considered unreliable, as metrics indicate insufficient coverage at this position in the ExAC database. This sequence change replaces leucine with glutamine at codon 48 of the VHL protein (p.Leu48Gln). The leucine residue is weakly conserved and there is a moderate physicochemical difference between leucine and glutamine.

Literature cited by the submitters: PubMed 38969834 (cited by Color Diagnostics, LLC DBA Color Health and Ambry Genetics).